The following is an entry in ClinVar:

NM_000393.5(COL5A2):c.3471+3A>G

Gene: COL5A2 (collagen type V alpha 2 chain; minus strand). Cytogenetic location: 2q32.2.
Variant type: single nucleotide variant.
Coding change: c.3471+3A>G on transcript NM_000393.5 (MANE Select); 3 bases into the intron after coding-DNA position 3471, A replaced by G.
Molecular consequence: intron variant.
Genome position (GRCh38, 1-based): chr2:189,043,148, T>C on the plus strand (A>G on the coding strand, the complement: COL5A2 is on the minus strand). VCF-style: chr2-189043148-T-C. GRCh37 (hg19) VCF-style: chr2-189907874-T-C.
Other names: p.?.
Identifiers: ClinVar variation 949901 (VCV000949901.12), dbSNP rs929722223, ClinGen allele CA62587831.

ClinVar aggregate classification (germline): Conflicting classifications of pathogenicity. Review status: criteria provided, conflicting classifications (1 of 4 stars). 3 submissions from 3 submitters: Uncertain significance (1); Likely benign (2). Last evaluated 2025-12-21.

Conditions:
Ehlers-Danlos syndrome, classic type, 1 (EDSCL1). Also called: Ehlers-Danlos syndrome, type 1; EHLERS-DANLOS SYNDROME, GRAVIS TYPE; EHLERS-DANLOS SYNDROME, SEVERE CLASSIC TYPE; EDS I; Ehlers-Danlos Syndrome, Classic Type, COL5A1-Related. Identifiers: MedGen C0268335, MONDO:0019567, OMIM 130000.

Allele frequency attached by ClinVar (database versions not stated): TOPMed below 0.00001; gnomAD exomes 0.00002.
gnomAD v4.1: 33 of 1,609,312 alleles (0.0021%); highest among the groups gnomAD compares: Middle Eastern, 0.017%; no homozygotes.

Submissions (3):

Labcorp Genetics (formerly Invitae), Labcorp
Classification: Uncertain significance for Ehlers-Danlos syndrome, classic type, 1. Last evaluated: 2025-12-21. Review status: criteria provided, single submitter. Criteria: Invitae Variant Classification Sherloc (09022015). Collection method: clinical testing. Allele origin: germline.
Comment: This sequence change falls in intron 48 of the COL5A2 gene. It does not directly change the encoded amino acid sequence of the COL5A2 protein. It affects a nucleotide within the consensus splice site. This variant is present in population databases (no rsID available, gnomAD 0.004%). This variant has not been reported in the literature in individuals affected with COL5A2-related conditions. ClinVar contains an entry for this variant (Variation ID: 949901). Variants that disrupt the consensus splice site are a relatively common cause of aberrant splicing (PMID: 17576681, 9536098). Algorithms developed to predict the effect of sequence changes on RNA splicing suggest that this variant is not likely to affect RNA splicing. In summary, the available evidence is currently insufficient to determine the role of this variant in disease. Therefore, it has been classified as a Variant of Uncertain Significance.

Mayo Clinic Laboratories, Mayo Clinic
Classification: Likely benign. Last evaluated: 2025-08-25. Review status: criteria provided, single submitter. Criteria: ACMG Guidelines, 2015. Collection method: clinical testing. Allele origin: germline. Observed: 1 variant allele.
Comment: BS1, BP4, BP7

GeneDx
Classification: Likely benign. Last evaluated: 2020-09-25. Review status: criteria provided, single submitter. Criteria: GeneDx Variant Classification Process June 2021. Collection method: clinical testing. Allele origin: germline. Affected: yes.

Literature cited by the submitters: PubMed 17576681 (cited by Labcorp Genetics (formerly Invitae), Labcorp); PubMed 9536098 (cited by Labcorp Genetics (formerly Invitae), Labcorp).